The following is an entry in ClinVar:

ClinVar aggregate classification (germline): Uncertain significance. Review status: criteria provided, multiple submitters, no conflicts (2 of 4 stars). 2 submissions from 2 submitters: Uncertain significance (2). Last evaluated 2023-05-30.

Conditions:
PEX6-related disorder. Also called: PEX6-related disorders; PEX6-related condition.
Peroxisome biogenesis disorder. Identifiers: Orphanet 79189, MedGen C1832200, MONDO:0019234. Disease mechanism: loss of function.

Allele frequency attached by ClinVar (database versions not stated): gnomAD exomes 0.00002; gnomAD 0.00003; TOPMed 0.00003.
gnomAD v4.1: 32 of 1,613,676 alleles (0.002%); highest among the groups gnomAD compares: Non-Finnish European, 0.0025%; no homozygotes.

Submissions (2):

PreventionGenetics, part of Exact Sciences
Classification: Uncertain significance for PEX6-related condition. Last evaluated: 2023-05-30. Review status: criteria provided, single submitter. Criteria: ACMG Guidelines, 2015. Collection method: clinical testing. Allele origin: germline.
Comment: The PEX6 c.749A>G variant is predicted to result in the amino acid substitution p.Asp250Gly. To our knowledge, this variant has not been reported in the literature. This variant is reported in 0.0026% of alleles in individuals of European (Non-Finnish) descent in gnomAD. At this time, the clinical significance of this variant is uncertain due to the absence of conclusive functional and genetic evidence.

Labcorp Genetics (formerly Invitae), Labcorp
Classification: Uncertain significance for Peroxisome biogenesis disorder. Last evaluated: 2022-08-09. Review status: criteria provided, single submitter. Criteria: Invitae Variant Classification Sherloc (09022015). Collection method: clinical testing. Allele origin: germline.
Comment: This sequence change replaces aspartic acid, which is acidic and polar, with glycine, which is neutral and non-polar, at codon 250 of the PEX6 protein (p.Asp250Gly). This variant is present in population databases (no rsID available, gnomAD 0.003%). This variant has not been reported in the literature in individuals affected with PEX6-related conditions. Algorithms developed to predict the effect of missense changes on protein structure and function (SIFT, PolyPhen-2, Align-GVGD) all suggest that this variant is likely to be tolerated. In summary, the available evidence is currently insufficient to determine the role of this variant in disease. Therefore, it has been classified as a Variant of Uncertain Significance.

NM_000287.4(PEX6):c.749A>G (p.Asp250Gly)

Gene: PEX6 (peroxisomal biogenesis factor 6; minus strand). Cytogenetic location: 6p21.1.
Variant type: single nucleotide variant.
Coding change: c.749A>G on transcript NM_000287.4 (MANE Select); coding-DNA position 749, A replaced by G.
Protein change: p.Asp250Gly; replaces aspartic acid 250 with glycine.
Molecular consequence: missense variant. On other transcripts: non-coding transcript variant (1), intron variant (1).
Genome position (GRCh38, 1-based): chr6:42,978,402, T>C on the plus strand (A>G on the coding strand, the complement: PEX6 is on the minus strand). VCF-style: chr6-42978402-T-C. GRCh37 (hg19) VCF-style: chr6-42946140-T-C.
Other names: c.749A>G (NM_000287.3); c.618+131A>G (NM_001316313.2); short protein forms D250G.
Identifiers: ClinVar variation 2143366 (VCV002143366.2), dbSNP rs1047438981, ClinGen allele CA138237690.